The following is an entry in ClinVar:

ClinVar aggregate classification (germline): Pathogenic (1 of 4 stars; one submission).

Submissions (3):

Labcorp Genetics (formerly Invitae), Labcorp
Classification: Pathogenic. Last evaluated: 2022-08-20. Review status: criteria provided, single submitter. Criteria: Invitae Variant Classification Sherloc (09022015). Collection method: clinical testing. Allele origin: germline.
Comment: This sequence change creates a premature translational stop signal (p.Ser50*) in the EBP gene. It is expected to result in an absent or disrupted protein product. Loss-of-function variants in EBP are known to be pathogenic (PMID: 10391218). This variant is not present in population databases (gnomAD no frequency). This premature translational stop signal has been observed in individual(s) with clinical features consistent with Conradi-Hünermann-Happle syndrome (PMID: 22121851). In at least one individual the variant was observed to be de novo. Algorithms developed to predict the effect of sequence changes on RNA splicing suggest that this variant may disrupt the consensus splice site. For these reasons, this variant has been classified as Pathogenic.

Dr. Peter K. Rogan Lab, Western University
No classification provided (evidence only). Condition: Thyroid cancer, nonmedullary, 1. Review status: no classification provided. Collection method: in vitro. Allele origin: not applicable. Functional consequence: retained intron. Not counted in ClinVar's aggregate classification.

Dr. Peter K. Rogan Lab, Western University
No classification provided (evidence only). Condition: Thyroid cancer, nonmedullary, 1. Review status: no classification provided. Collection method: in vitro. Allele origin: not applicable. Functional consequence: skipped exon. Not counted in ClinVar's aggregate classification.

Literature cited by the submitters: PubMed 10391218 (cited by Labcorp Genetics (formerly Invitae), Labcorp); PubMed 22121851 (cited by Labcorp Genetics (formerly Invitae), Labcorp).

NM_006579.3(EBP):c.149C>A (p.Ser50Ter)

Gene: EBP (EBP cholestenol delta-isomerase; plus strand). Cytogenetic location: Xp11.23.
Variant type: single nucleotide variant.
Coding change: c.149C>A on transcript NM_006579.3 (MANE Select); coding-DNA position 149, C replaced by A.
Protein change: p.Ser50Ter; replaces serine 50 with a stop codon.
Molecular consequence: nonsense.
Genome position (GRCh38, 1-based): chrX:48,523,920, C>A. VCF-style: chrX-48523920-C-A. GRCh37 (hg19) VCF-style: chrX-48382308-C-A.
Other names: short protein forms S50*.
Identifiers: ClinVar variation 2138562 (VCV002138562.5), dbSNP rs2519522184, ClinGen allele CA412851340.